The following is an entry in ClinVar:

ClinVar aggregate classification (germline): Uncertain significance (1 of 4 stars; one submission).

Conditions:
Colorectal cancer, susceptibility to, 12 (CRCS12). Also called: COLORECTAL CANCER, SUSCEPTIBILITY TO, ON CHROMOSOME 12q24. Identifiers: Orphanet 220460, MedGen C3554460, MONDO:0014038, OMIM 615083.

Submission:

Labcorp Genetics (formerly Invitae), Labcorp
Classification: Uncertain significance for Colorectal cancer, susceptibility to, 12. Last evaluated: 2019-07-25. Review status: criteria provided, single submitter. Criteria: Invitae Variant Classification Sherloc (09022015). Collection method: clinical testing. Allele origin: germline.
Comment: This sequence change replaces alanine with aspartic acid at codon 649 of the POLE protein (p.Ala649Asp). The alanine residue is moderately conserved and there is a moderate physicochemical difference between alanine and aspartic acid. This variant is not present in population databases (ExAC no frequency). This variant has not been reported in the literature in individuals with POLE-related conditions. Algorithms developed to predict the effect of missense changes on protein structure and function are either unavailable or do not agree on the potential impact of this missense change (SIFT: "Tolerated"; PolyPhen-2: "Possibly Damaging"; Align-GVGD: "Class C0"). In summary, the available evidence is currently insufficient to determine the role of this variant in disease. Therefore, it has been classified as a Variant of Uncertain Significance.

NM_006231.4(POLE):c.1946C>A (p.Ala649Asp)

Gene: POLE (DNA polymerase epsilon, catalytic subunit; minus strand). Cytogenetic location: 12q24.33.
Variant type: single nucleotide variant.
Coding change: c.1946C>A on transcript NM_006231.4 (MANE Select); coding-DNA position 1946, C replaced by A.
Protein change: p.Ala649Asp; replaces alanine 649 with aspartic acid.
Molecular consequence: missense variant.
Genome position (GRCh38, 1-based): chr12:132,668,715, G>T on the plus strand (C>A on the coding strand, the complement: POLE is on the minus strand). VCF-style: chr12-132668715-G-T. GRCh37 (hg19) VCF-style: chr12-133245301-G-T.
Other names: short protein forms A649D.
Identifiers: ClinVar variation 962134 (VCV000962134.1), dbSNP rs2042854832, ClinGen allele CA387355175.